The following is an entry in ClinVar:

NM_152564.5(VPS13B):c.6422G>C (p.Ser2141Thr)

Gene: VPS13B (vacuolar protein sorting 13 homolog B; plus strand). Cytogenetic location: 8q22.2.
Variant type: single nucleotide variant.
Coding change: c.6422G>C on transcript NM_152564.5 (MANE Select); coding-DNA position 6422, G replaced by C.
Protein change: p.Ser2141Thr; replaces serine 2141 with threonine.
Molecular consequence: missense variant.
Genome position (GRCh38, 1-based): chr8:99,699,900, G>C. VCF-style: chr8-99699900-G-C. GRCh37 (hg19) VCF-style: chr8-100712128-G-C.
Other names: c.6497G>C, p.Ser2166Thr (NM_017890.5); short protein forms S2166T, S2141T.
Identifiers: ClinVar variation 2081239 (VCV002081239.4), dbSNP rs2491485002, ClinGen allele CA371875133.

ClinVar aggregate classification (germline): Uncertain significance (1 of 4 stars; one submission).

Conditions:
Cohen syndrome (COH1). Also called: PEPPER SYNDROME; Cutis verticis gyrata, retinitis pigmentosa, and sensorineural deafness. Identifiers: Orphanet 193, MedGen C0265223, MONDO:0008999, OMIM 216550.

Allele frequency attached by ClinVar (database versions not stated): gnomAD exomes below 0.00001.
gnomAD v4.1: 2 of 1,614,022 alleles (0.00012%); highest among the groups gnomAD compares: Non-Finnish European, 0.00017%; no homozygotes.

Submission:

Labcorp Genetics (formerly Invitae), Labcorp
Classification: Uncertain significance for Cohen syndrome. Last evaluated: 2022-01-12. Review status: criteria provided, single submitter. Criteria: Invitae Variant Classification Sherloc (09022015). Collection method: clinical testing. Allele origin: germline.
Comment: In summary, the available evidence is currently insufficient to determine the role of this variant in disease. Therefore, it has been classified as a Variant of Uncertain Significance. Algorithms developed to predict the effect of missense changes on protein structure and function are either unavailable or do not agree on the potential impact of this missense change (SIFT: "Not Available"; PolyPhen-2: "Benign"; Align-GVGD: "Not Available"). This variant has not been reported in the literature in individuals affected with VPS13B-related conditions. This variant is not present in population databases (gnomAD no frequency). This sequence change replaces serine, which is neutral and polar, with threonine, which is neutral and polar, at codon 2166 of the VPS13B protein (p.Ser2166Thr).